The following is an entry in ClinVar:

NM_005515.4(MNX1):c.260A>G (p.His87Arg)

Gene: MNX1 (motor neuron and pancreas homeobox 1; minus strand). Cytogenetic location: 7q36.3.
Variant type: single nucleotide variant.
Coding change: c.260A>G on transcript NM_005515.4 (MANE Select); coding-DNA position 260, A replaced by G.
Protein change: p.His87Arg; replaces histidine 87 with arginine.
Molecular consequence: missense variant.
Genome position (GRCh38, 1-based): chr7:157,010,091, T>C on the plus strand (A>G on the coding strand, the complement: MNX1 is on the minus strand). VCF-style: chr7-157010091-T-C. GRCh37 (hg19) VCF-style: chr7-156802785-T-C.
Other names: short protein forms H87R.
Identifiers: ClinVar variation 4741753 (VCV004741753.1).

ClinVar aggregate classification (germline): Uncertain significance (1 of 4 stars; one submission).

gnomAD v4.1: 1 of 983,276 alleles (0.0001%); no homozygotes.

Submission:

Labcorp Genetics (formerly Invitae), Labcorp
Classification: Uncertain significance. Last evaluated: 2025-09-03. Review status: criteria provided, single submitter. Criteria: Invitae Variant Classification Sherloc (09022015). Collection method: clinical testing. Allele origin: germline.
Comment: This sequence change replaces histidine, which is basic and polar, with arginine, which is basic and polar, at codon 87 of the MNX1 protein (p.His87Arg). The frequency data for this variant in the population databases is considered unreliable, as metrics indicate insufficient coverage at this position in the gnomAD database. This variant has not been reported in the literature in individuals affected with MNX1-related conditions. Invitae Evidence Modeling of protein sequence and biophysical properties (such as structural, functional, and spatial information, amino acid conservation, physicochemical variation, residue mobility, and thermodynamic stability) indicates that this missense variant is not expected to disrupt MNX1 protein function with a negative predictive value of 80%. In summary, the available evidence is currently insufficient to determine the role of this variant in disease. Therefore, it has been classified as a Variant of Uncertain Significance.